The following is an entry in ClinVar:

ClinVar aggregate classification (germline): Uncertain significance (1 of 4 stars; one submission).

Conditions:
Shprintzen-Goldberg syndrome (SGS). Also called: Marfanoid disorder with craniosynostosis type 1; Marfanoid craniosynostosis syndrome; Shprintzen-Goldberg marfanoid syndrome; SHPRINTZEN-GOLDBERG CRANIOSYNOSTOSIS SYNDROME; CRANIOSYNOSTOSIS WITH ARACHNODACTYLY AND ABDOMINAL HERNIAS. Identifiers: Orphanet 2462, MedGen C1321551, MONDO:0008426, OMIM 182212.

Submission:

Labcorp Genetics (formerly Invitae), Labcorp
Classification: Uncertain significance for Shprintzen-Goldberg syndrome. Last evaluated: 2022-01-16. Review status: criteria provided, single submitter. Criteria: Invitae Variant Classification Sherloc (09022015). Collection method: clinical testing. Allele origin: germline.
Comment: In summary, the available evidence is currently insufficient to determine the role of this variant in disease. Therefore, it has been classified as a Variant of Uncertain Significance. Algorithms developed to predict the effect of missense changes on protein structure and function are either unavailable or do not agree on the potential impact of this missense change (SIFT: "Deleterious"; PolyPhen-2: "Probably Damaging"; Align-GVGD: "Class C0"). This variant has not been reported in the literature in individuals affected with SKI-related conditions. This variant is not present in population databases (gnomAD no frequency). This sequence change replaces asparagine, which is neutral and polar, with lysine, which is basic and polar, at codon 280 of the SKI protein (p.Asn280Lys).

NM_003036.4(SKI):c.840C>G (p.Asn280Lys)

Gene: SKI (SKI proto-oncogene; plus strand). Cytogenetic location: 1p36.33.
Variant type: single nucleotide variant.
Coding change: c.840C>G on transcript NM_003036.4 (MANE Select); coding-DNA position 840, C replaced by G.
Protein change: p.Asn280Lys; replaces asparagine 280 with lysine.
Molecular consequence: missense variant.
Genome position (GRCh38, 1-based): chr1:2,229,606, C>G. VCF-style: chr1-2229606-C-G. GRCh37 (hg19) VCF-style: chr1-2161045-C-G.
Other names: short protein forms N280K.
Identifiers: ClinVar variation 2192353 (VCV002192353.4), dbSNP rs1423154745, ClinGen allele CA337955919.